The following is an entry in ClinVar:

NC_012920.1(MT-ND1):m.3380G>A

Gene: MT-ND1 (mitochondrially encoded NADH dehydrogenase 1; plus strand).
Variant type: single nucleotide variant.
Genome position: chrM-3380-G-A.
Identifiers: ClinVar variation 692346 (VCV000692346.2), dbSNP rs1603218926, ClinGen allele CA414772659.

ClinVar aggregate classification (germline): Uncertain significance. Review status: reviewed by expert panel (3 of 4 stars). 2 submissions from 2 submitters: Uncertain significance (1). 1 of the submissions does not count toward it. Last evaluated 2023-10-23.

Conditions:
Mitochondrial disease. Also called: Mitochondrial disorder; Mitochondrial disorders. Identifiers: Orphanet 68380, MedGen C0751651, MeSH D028361, MONDO:0044970.
MELAS syndrome (MELAS). Also called: Juvenile myopathy, encephalopathy, lactic acidosis, stroke. Identifiers: Orphanet 550, MedGen C0162671, MONDO:0010789, OMIM 540000.

Submissions (2):

ClinGen Mitochondrial Disease Nuclear and Mitochondrial  Variant Curation Expert Panel, ClinGen
Classification: Uncertain significance for Mitochondrial disease. Last evaluated: 2023-10-23. Review status: reviewed by expert panel. Criteria: clingen mito disease acmg specifications v1-1. Collection method: curation. Allele origin: germline. Inheritance: Mitochondrial inheritance.
Comment: Muscle biopsy showed ragged red fibers. The variant was present at 50% heteroplasmy in skeletal muscle and 5-10% in white blood cells. Single fiber testing in muscle from the proband showed higher levels of the variant in ragged red fibers (61.15%, n=13) than in non-ragged red fibers (29.5%, n=11), p<0.01 (PS3_supporting, PMID: 18590963). Additionally, decreased enzyme activity was seen when this variant was modeled in E. coli (PMID: 36431069). This variant is rare in population databases (MITOMAP: 0.003%, 2/61,883; absent in gnomAD v3.1.2 and Helix; PM2_supporting). The computational predictor APOGEE suggests this variant is pathogenic (0.65, range 0-1; PP3). In summary, this variant meets criteria to be classified as uncertain significance for primary mitochondrial disease inherited in a mitochondrial manner. This classification was approved by the NICHD/NINDS U24 ClinGen Mitochondrial Disease Variant Curation Expert Panel on October 23, 2023. Mitochondrial DNA-specific ACMG/AMP criteria applied (PMID: 32906214): PS3_supporting, PM2_supporting, PP3.

Wong Mito Lab, Molecular and Human Genetics, Baylor College of Medicine
Classification: Pathogenic for MELAS syndrome. Last evaluated: 2019-10-17. Review status: criteria provided, single submitter. Criteria: Modified ACMG Guidelines (Unpublished). Collection method: clinical testing. Allele origin: germline. Not counted in ClinVar's aggregate classification.
Comment: The NC_012920.1:m.3380G>A (YP_003024026.1:p.Arg25Gln) variant in MTND1 gene is interpretated to be a Pathogenic variant based on the modified ACMG guidelines (unpublished). This variant meets the following evidence codes: PS3, PM8, PM9, PP4, PP6

Literature cited by the submitters: PubMed 36431069 (cited by ClinGen Mitochondrial Disease Nuclear and Mitochondrial  Variant Curation Expert Panel, ClinGen); PubMed 18590963 (cited by ClinGen Mitochondrial Disease Nuclear and Mitochondrial  Variant Curation Expert Panel, ClinGen and Wong Mito Lab, Molecular and Human Genetics, Baylor College of Medicine).